The following is an entry in ClinVar:

NM_023110.3(FGFR1):c.1163C>T (p.Ser388Phe)

Gene: FGFR1 (fibroblast growth factor receptor 1; minus strand). Cytogenetic location: 8p11.23.
Variant type: single nucleotide variant.
Coding change: c.1163C>T on transcript NM_023110.3 (MANE Select); coding-DNA position 1163, C replaced by T.
Protein change: p.Ser388Phe; replaces serine 388 with phenylalanine.
Molecular consequence: missense variant.
Genome position (GRCh38, 1-based): chr8:38,419,654, G>A on the plus strand (C>T on the coding strand, the complement: FGFR1 is on the minus strand). VCF-style: chr8-38419654-G-A. GRCh37 (hg19) VCF-style: chr8-38277172-G-A.
Other names: c.1163C>T, p.Ser388Phe (NM_000604.2, NM_001174063.2); c.1139C>T, p.Ser380Phe (NM_001174064.2); c.1157C>T, p.Ser386Phe (NM_001174065.2, NM_001354367.2, NM_001354369.2 and 2 more transcripts); c.896C>T, p.Ser299Phe (NM_001174066.2, NM_023105.3); c.1256C>T, p.Ser419Phe (NM_001174067.2); c.890C>T, p.Ser297Phe (NM_001354368.2, NM_001354370.2, NM_023106.3); short protein forms S297F, S299F, S380F, S386F, S388F, S419F.
Identifiers: ClinVar variation 2441425 (VCV002441425.5), dbSNP rs370205081, ClinGen allele CA4718465.
Genomic context (GRCh38, chr8:38,419,654, plus strand): 5'-AAGTCACTCTTCTTGGTACCACTCTTCATCTTGTAGACGATGACCGACCCCACCATGCAG[G>A]AGATGAGGAAGGCCCCTGTGCAATAGATGATGATCTCCAGGTACAGGGGCGAGGTCATCA-3'
Protein context (NP_075598.2, residues 378-398): IIYCTGAFLI[Ser388Phe]CMVGSVIVYK

ClinVar aggregate classification (germline): Uncertain significance. Review status: criteria provided, multiple submitters, no conflicts (2 of 4 stars). 2 submissions from 2 submitters: Uncertain significance (2). Last evaluated 2024-08-20.

Conditions:
Pfeiffer syndrome (ACS5). Also called: ACS V. Identifiers: Orphanet 710, MedGen C0220658, MONDO:0007043, OMIM 101600.
Hypogonadotropic hypogonadism 2 with or without anosmia (HH2). Also called: HYPOGONADOTROPIC HYPOGONADISM 2 WITHOUT ANOSMIA; FGFR1-Related GnRH Deficiency (Kallmann Syndrome 2); HYPOGONADOTROPIC HYPOGONADISM 2 WITH OR WITHOUT ANOSMIA, SUSCEPTIBILITY TO; HYPOGONADOTROPIC HYPOGONADISM 2 WITHOUT ANOSMIA, SUSCEPTIBILITY TO. Identifiers: Orphanet 478, MedGen C1563720, MONDO:0007844, OMIM 147950. Disease mechanism: loss of function.

Allele frequency attached by ClinVar (database versions not stated): ExAC 0.00001; TOPMed 0.00002; gnomAD 0.00003; ESP Exome Variant Server 0.00008.
gnomAD v4.1: 69 of 1,614,012 alleles (0.0043%); highest among the groups gnomAD compares: Middle Eastern, 0.016%; no homozygotes.

Submissions (2):

Labcorp Genetics (formerly Invitae), Labcorp
Classification: Uncertain significance for Pfeiffer syndrome; Hypogonadotropic hypogonadism 2 with or without anosmia. Last evaluated: 2024-08-20. Review status: criteria provided, single submitter. Criteria: Invitae Variant Classification Sherloc (09022015). Collection method: clinical testing. Allele origin: germline.
Comment: This sequence change replaces serine, which is neutral and polar, with phenylalanine, which is neutral and non-polar, at codon 388 of the FGFR1 protein (p.Ser388Phe). This variant is present in population databases (rs370205081, gnomAD 0.002%). This variant has not been reported in the literature in individuals affected with FGFR1-related conditions. ClinVar contains an entry for this variant (Variation ID: 2441425). Invitae Evidence Modeling of protein sequence and biophysical properties (such as structural, functional, and spatial information, amino acid conservation, physicochemical variation, residue mobility, and thermodynamic stability) has been performed for this missense variant. However, the output from this modeling did not meet the statistical confidence thresholds required to predict the impact of this variant on FGFR1 protein function. In summary, the available evidence is currently insufficient to determine the role of this variant in disease. Therefore, it has been classified as a Variant of Uncertain Significance.

Revvity Omics, Revvity
Classification: Uncertain significance. Last evaluated: 2019-07-11. Review status: criteria provided, single submitter. Criteria: ACMG Guidelines, 2015. Collection method: clinical testing. Allele origin: germline.